The following is an entry in ClinVar:

ClinVar aggregate classification (germline): Uncertain significance (1 of 4 stars; one submission).

Conditions:
Hajdu-Cheney syndrome (HJCYS). Also called: ACROOSTEOLYSIS WITH OSTEOPOROSIS AND CHANGES IN SKULL AND MANDIBLE; SERPENTINE FIBULA-POLYCYSTIC KIDNEY SYNDROME; Acroosteolysis dominant type. Identifiers: Orphanet 955, MedGen C0917715, MONDO:0007057, OMIM 102500.

Allele frequency attached by ClinVar (database versions not stated): gnomAD exomes below 0.00001.
gnomAD v4.1: 2 of 1,614,150 alleles (0.00012%); highest among the groups gnomAD compares: Non-Finnish European, 0.00017%; no homozygotes.

Submission:

Labcorp Genetics (formerly Invitae), Labcorp
Classification: Uncertain significance for Hajdu-Cheney syndrome. Last evaluated: 2023-11-25. Review status: criteria provided, single submitter. Criteria: Invitae Variant Classification Sherloc (09022015). Collection method: clinical testing. Allele origin: germline.
Comment: This sequence change replaces proline, which is neutral and non-polar, with serine, which is neutral and polar, at codon 1947 of the NOTCH2 protein (p.Pro1947Ser). This variant is not present in population databases (gnomAD no frequency). This variant has not been reported in the literature in individuals affected with NOTCH2-related conditions. Advanced modeling of protein sequence and biophysical properties (such as structural, functional, and spatial information, amino acid conservation, physicochemical variation, residue mobility, and thermodynamic stability) performed at Invitae indicates that this missense variant is not expected to disrupt NOTCH2 protein function with a negative predictive value of 80%. In summary, the available evidence is currently insufficient to determine the role of this variant in disease. Therefore, it has been classified as a Variant of Uncertain Significance.

NM_024408.4(NOTCH2):c.5839C>T (p.Pro1947Ser)

Gene: NOTCH2 (notch receptor 2; minus strand). Cytogenetic location: 1p12.
Variant type: single nucleotide variant.
Coding change: c.5839C>T on transcript NM_024408.4 (MANE Select); coding-DNA position 5839, C replaced by T.
Protein change: p.Pro1947Ser; replaces proline 1947 with serine.
Molecular consequence: missense variant.
Genome position (GRCh38, 1-based): chr1:119,918,496, G>A on the plus strand (C>T on the coding strand, the complement: NOTCH2 is on the minus strand). VCF-style: chr1-119918496-G-A. GRCh37 (hg19) VCF-style: chr1-120461119-G-A.
Other names: short protein forms P1947S.
Identifiers: ClinVar variation 2699019 (VCV002699019.3), dbSNP rs2101148151, ClinGen allele CA341882769.